The following is an entry in ClinVar:

NM_003560.4(PLA2G6):c.67C>T (p.Arg23Trp)

Gene: PLA2G6 (phospholipase A2 group VI; minus strand). Cytogenetic location: 22q13.1.
Variant type: single nucleotide variant.
Coding change: c.67C>T on transcript NM_003560.4 (MANE Select); coding-DNA position 67, C replaced by T.
Protein change: p.Arg23Trp; replaces arginine 23 with tryptophan.
Molecular consequence: missense variant. On other transcripts: 5 prime UTR variant (3).
Genome position (GRCh38, 1-based): chr22:38,169,360, G>A on the plus strand (C>T on the coding strand, the complement: PLA2G6 is on the minus strand). VCF-style: chr22-38169360-G-A. GRCh37 (hg19) VCF-style: chr22-38565367-G-A.
Other names: c.67C>T, p.Arg23Trp (NM_001004426.3, NM_001199562.3, NM_001349864.2 and 2 more transcripts); c.-599C>T (NM_001349867.2, NM_001349869.2); c.-424C>T (NM_001349868.2); short protein forms R23W.
Identifiers: ClinVar variation 899869 (VCV000899869.10), dbSNP rs769876649, ClinGen allele CA10231384.

ClinVar aggregate classification (germline): Uncertain significance. Review status: criteria provided, multiple submitters, no conflicts (2 of 4 stars). 2 submissions from 2 submitters: Uncertain significance (2). Last evaluated 2025-11-01.

Conditions:
PLA2G6-associated neurodegeneration (PLAN). Also called: phospholipase A2-associated neurodegeneration. Identifiers: Orphanet 329303, MedGen CN204472, MONDO:0017998.

Allele frequency attached by ClinVar (database versions not stated): ExAC 0.00001; gnomAD 0.00001; TOPMed 0.00001; gnomAD exomes 0.00002.
gnomAD v4.1: 37 of 1,614,026 alleles (0.0023%); highest among the groups gnomAD compares: Admixed American, 0.0033%; no homozygotes.

Submissions (2):

CeGaT Center for Human Genetics Tuebingen
Classification: Uncertain significance. Last evaluated: 2025-11-01. Review status: criteria provided, single submitter. Criteria: CeGaT Center For Human Genetics Tuebingen Variant Classification Criteria Version 2. Collection method: clinical testing. Allele origin: germline. Affected: yes. Observed: 1 variant allele.
Comment: PLA2G6: PM2, PM5

Illumina Laboratory Services, Illumina
Classification: Uncertain significance for PLA2G6-associated neurodegeneration. Last evaluated: 2018-01-12. Review status: criteria provided, single submitter. Criteria: ICSL Variant Classification Criteria 13 December 2019. Collection method: clinical testing. Allele origin: germline.